The following is an entry in ClinVar:

NM_002599.5(PDE2A):c.608C>T (p.Pro203Leu)

Gene: PDE2A (phosphodiesterase 2A; minus strand). Cytogenetic location: 11q13.4.
Variant type: single nucleotide variant.
Coding change: c.608C>T on transcript NM_002599.5 (MANE Select); coding-DNA position 608, C replaced by T.
Protein change: p.Pro203Leu; replaces proline 203 with leucine.
Molecular consequence: missense variant.
Genome position (GRCh38, 1-based): chr11:72,590,522, G>A on the plus strand (C>T on the coding strand, the complement: PDE2A is on the minus strand). VCF-style: chr11-72590522-G-A. GRCh37 (hg19) VCF-style: chr11-72301566-G-A.
Other names: c.608C>T (NM_002599.4); c.587C>T, p.Pro196Leu (NM_001143839.4); c.581C>T, p.Pro194Leu (NM_001146209.3); c.545C>T, p.Pro182Leu (NM_001243784.2); short protein forms P182L, P194L, P196L, P203L.
Identifiers: ClinVar variation 1551558 (VCV001551558.14), dbSNP rs202107033, ClinGen allele CA6172508.
Genomic context (GRCh38, chr11:72,590,522, plus strand): 5'-TACGCCGCCCCGCCCTTCTGGTCTTCCGCCGTCCCCTCCGGGGGGTTCTGGACGGCTCGG[G>A]GAGCCTCCCTGGGCCCGCGCTGCTGCAGGACCTGCACCCTCCGCAGGGCGACCAGGGTCT-3'
Protein context (NP_002590.1, residues 193-213): VLQQRGPREA[Pro203Leu]RAVQNPPEGT

ClinVar aggregate classification (germline): Conflicting classifications of pathogenicity. Review status: criteria provided, conflicting classifications (1 of 4 stars). 3 submissions from 3 submitters: Uncertain significance (1); Benign (1); Likely benign (1). Last evaluated 2026-01-01.

Conditions:
Inborn genetic diseases. Identifiers: MedGen C0950123, MeSH D030342.

Allele frequency attached by ClinVar (database versions not stated): gnomAD exomes 0.00028 and 0.00079; 1000 Genomes Project 30x 0.00219; 1000 Genomes Project 0.00220; ExAC 0.00235; ESP Exome Variant Server 0.00276; gnomAD 0.00341 and 0.00372; TOPMed 0.00417.
gnomAD v4.1: 908 of 1,466,132 alleles (0.062%); highest among the groups gnomAD compares: African/African-American, 1.2%; 5 homozygotes.

Submissions (3):

CeGaT Center for Human Genetics Tuebingen
Classification: Likely benign. Last evaluated: 2026-01-01. Review status: criteria provided, single submitter. Criteria: CeGaT Center For Human Genetics Tuebingen Variant Classification Criteria Version 2. Collection method: clinical testing. Allele origin: germline. Affected: yes. Observed: 1 variant allele.
Comment: PDE2A: BP4, BS1

Ambry Genetics
Classification: Uncertain significance for Inborn genetic diseases. Last evaluated: 2025-12-04. Review status: criteria provided, single submitter. Criteria: Ambry Variant Classification Scheme 2023. Collection method: clinical testing. Allele origin: germline.

Labcorp Genetics (formerly Invitae), Labcorp
Classification: Benign. Last evaluated: 2025-11-03. Review status: criteria provided, single submitter. Criteria: Invitae Variant Classification Sherloc (09022015). Collection method: clinical testing. Allele origin: germline.